The following is an entry in ClinVar:

NM_001367823.1(ARHGEF18):c.1003T>C (p.Ser335Pro)

Gene: ARHGEF18 (Rho/Rac guanine nucleotide exchange factor 18; plus strand). Cytogenetic location: 19p13.2.
Variant type: single nucleotide variant.
Coding change: c.1003T>C on transcript NM_001367823.1 (MANE Select); coding-DNA position 1003, T replaced by C.
Protein change: p.Ser335Pro; replaces serine 335 with proline.
Molecular consequence: missense variant. On other transcripts: 5 prime UTR variant (2).
Genome position (GRCh38, 1-based): chr19:7,440,379, T>C. VCF-style: chr19-7440379-T-C. GRCh37 (hg19) VCF-style: chr19-7505265-T-C.
Other names: c.277T>C, p.Ser93Pro (NM_001130955.2); c.-36T>C (NM_001367824.1, NM_015318.4); short protein forms S335P, S93P.
Identifiers: ClinVar variation 963787 (VCV000963787.8), dbSNP rs749679794, ClinGen allele CA9136316.

ClinVar aggregate classification (germline): Uncertain significance. Review status: criteria provided, multiple submitters, no conflicts (2 of 4 stars). 4 submissions from 4 submitters: Uncertain significance (3). 1 of the submissions does not count toward it. Last evaluated 2025-07-12.

Conditions:
Inborn genetic diseases. Identifiers: MedGen C0950123, MeSH D030342.
Retinal dystrophy. Also called: Inherited retinal dystrophy. Identifiers: Orphanet 71862, MedGen C0854723, MeSH D058499, MONDO:0019118, HP:0000556.

Allele frequency attached by ClinVar (database versions not stated): gnomAD 0.00003; gnomAD exomes 0.00003 and 0.00006; TOPMed 0.00003; ExAC 0.00007.
gnomAD v4.1: 60 of 1,611,212 alleles (0.0037%); highest among the groups gnomAD compares: Middle Eastern, 0.16%; no homozygotes.

Submissions (4):

Ambry Genetics
Classification: Uncertain significance for Inborn genetic diseases. Last evaluated: 2025-07-12. Review status: criteria provided, single submitter. Criteria: Ambry Variant Classification Scheme 2023. Collection method: clinical testing. Allele origin: germline.

Blueprint Genetics
Classification: Uncertain significance. Last evaluated: 2024-11-07. Review status: criteria provided, single submitter. Criteria: ACMG Guidelines, 2015. Collection method: clinical testing. Allele origin: germline.

Labcorp Genetics (formerly Invitae), Labcorp
Classification: Uncertain significance. Last evaluated: 2022-10-13. Review status: criteria provided, single submitter. Criteria: Invitae Variant Classification Sherloc (09022015). Collection method: clinical testing. Allele origin: germline.
Comment: This sequence change replaces serine, which is neutral and polar, with proline, which is neutral and non-polar, at codon 147 of the ARHGEF18 protein (p.Ser147Pro). This variant is present in population databases (rs749679794, gnomAD 0.01%). This variant has not been reported in the literature in individuals affected with ARHGEF18-related conditions. ClinVar contains an entry for this variant (Variation ID: 963787). Algorithms developed to predict the effect of missense changes on protein structure and function output the following: SIFT: "Tolerated"; PolyPhen-2: "Benign"; Align-GVGD: "Class C0". The proline amino acid residue is found in multiple mammalian species, which suggests that this missense change does not adversely affect protein function. In summary, the available evidence is currently insufficient to determine the role of this variant in disease. Therefore, it has been classified as a Variant of Uncertain Significance.

Institute of Human Genetics, Univ. Regensburg, Univ. Regensburg
Classification: Uncertain significance for Retinal dystrophy. Last evaluated: 2022-01-01. Review status: no assertion criteria provided. Criteria: ACMG Guidelines, 2015. Collection method: clinical testing. Allele origin: germline. Affected: yes. Not counted in ClinVar's aggregate classification.